The following is an entry in ClinVar:

ClinVar aggregate classification (germline): Likely benign. Review status: criteria provided, multiple submitters, no conflicts (2 of 4 stars). 3 submissions from 3 submitters: Likely benign (3). Last evaluated 2026-06-01.

Allele frequency attached by ClinVar (database versions not stated): gnomAD exomes 0.00001; gnomAD 0.00002; TOPMed 0.00002; ExAC 0.00010.
gnomAD v4.1: 13 of 1,561,936 alleles (0.00083%); highest among the groups gnomAD compares: East Asian, 0.0048%; no homozygotes.

Submissions (3):

CeGaT Center for Human Genetics Tuebingen
Classification: Likely benign. Last evaluated: 2026-06-01. Review status: criteria provided, single submitter. Criteria: CeGaT Center For Human Genetics Tuebingen Variant Classification Criteria Version 2. Collection method: clinical testing. Allele origin: germline. Affected: yes. Observed: 3 variant alleles.
Comment: CACNA1B: BP4, BP7

Labcorp Genetics (formerly Invitae), Labcorp
Classification: Likely benign. Last evaluated: 2025-08-25. Review status: criteria provided, single submitter. Criteria: Invitae Variant Classification Sherloc (09022015). Collection method: clinical testing. Allele origin: germline.

Blueprint Genetics
Classification: Likely benign. Last evaluated: 2024-09-13. Review status: criteria provided, single submitter. Criteria: ACMG Guidelines, 2015. Collection method: clinical testing. Allele origin: germline.

NM_000718.4(CACNA1B):c.6417G>A (p.Pro2139=)

Gene: CACNA1B (calcium voltage-gated channel subunit alpha1 B; plus strand). Cytogenetic location: 9q34.3.
Variant type: single nucleotide variant.
Coding change: c.6417G>A on transcript NM_000718.4 (MANE Select); coding-DNA position 6417, G replaced by A.
Protein change: p.Pro2139=; no amino-acid change (proline 2139 retained).
Molecular consequence: synonymous variant.
Genome position (GRCh38, 1-based): chr9:138,120,809, G>A. VCF-style: chr9-138120809-G-A. GRCh37 (hg19) VCF-style: chr9-141015261-G-A.
Other names: c.6417G>A, p.Pro2139= (NM_001243812.2).
Identifiers: ClinVar variation 2421339 (VCV002421339.30), dbSNP rs763000710, ClinGen allele CA5377706.